The following is an entry in ClinVar:

NM_138395.4(MARS2):c.1122C>T (p.Leu374=)

Gene: MARS2 (methionyl-tRNA synthetase 2, mitochondrial; plus strand). Cytogenetic location: 2q33.1.
Variant type: single nucleotide variant.
Coding change: c.1122C>T on transcript NM_138395.4 (MANE Select); coding-DNA position 1122, C replaced by T.
Protein change: p.Leu374=; no amino-acid change (leucine 374 retained).
Molecular consequence: synonymous variant.
Genome position (GRCh38, 1-based): chr2:197,706,527, C>T. VCF-style: chr2-197706527-C-T. GRCh37 (hg19) VCF-style: chr2-198571251-C-T.
Other names: p.Leu374=; c.1122C>T (NM_138395.3).
Identifiers: ClinVar variation 2898239 (VCV002898239.6), dbSNP rs765106202, ClinGen allele CA2044695.

ClinVar aggregate classification (germline): Conflicting classifications of pathogenicity. Review status: criteria provided, conflicting classifications (1 of 4 stars). 3 submissions from 3 submitters: Uncertain significance (1); Likely benign (1). 1 of the submissions does not count toward it. Last evaluated 2025-09-16.

Conditions:
MARS2-related disorder. Also called: MARS2-related condition.

Allele frequency attached by ClinVar (database versions not stated): ExAC 0.00002; gnomAD 0.00002; TOPMed 0.00002; gnomAD exomes 0.00006.
gnomAD v4.1: 86 of 1,614,128 alleles (0.0053%); highest among the groups gnomAD compares: Non-Finnish European, 0.0068%; no homozygotes.

Submissions (3):

Mayo Clinic Laboratories, Mayo Clinic
Classification: Likely benign. Last evaluated: 2025-09-16. Review status: criteria provided, single submitter. Criteria: ACMG Guidelines, 2015. Collection method: clinical testing. Allele origin: germline. Observed: 1 variant allele.
Comment: BP4, BP7

Labcorp Genetics (formerly Invitae), Labcorp
Classification: Uncertain significance. Last evaluated: 2024-05-15. Review status: criteria provided, single submitter. Criteria: Invitae Variant Classification Sherloc (09022015). Collection method: clinical testing. Allele origin: germline.
Comment: This sequence change affects codon 374 of the MARS2 mRNA. It is a 'silent' change, meaning that it does not change the encoded amino acid sequence of the MARS2 protein. This variant is present in population databases (rs765106202, gnomAD 0.007%). This variant has not been reported in the literature in individuals affected with MARS2-related conditions. In summary, the available evidence is currently insufficient to determine the role of this variant in disease. Therefore, it has been classified as a Variant of Uncertain Significance.

PreventionGenetics, part of Exact Sciences
Classification: Likely benign for MARS2-related condition. Last evaluated: 2020-01-07. Review status: no assertion criteria provided. Collection method: clinical testing. Allele origin: germline. Not counted in ClinVar's aggregate classification.
Comment: This variant is classified as likely benign based on ACMG/AMP sequence variant interpretation guidelines (Richards et al. 2015 PMID: 25741868, with internal and published modifications).